The following is an entry in ClinVar:

NM_001384140.1(PCDH15):c.2764T>A (p.Tyr922Asn)

Gene: PCDH15 (protocadherin related 15; minus strand). Cytogenetic location: 10q21.1.
Variant type: single nucleotide variant.
Coding change: c.2764T>A on transcript NM_001384140.1 (MANE Select); coding-DNA position 2764, T replaced by A.
Protein change: p.Tyr922Asn; replaces tyrosine 922 with asparagine.
Molecular consequence: missense variant.
Genome position (GRCh38, 1-based): chr10:53,995,753, A>T on the plus strand (T>A on the coding strand, the complement: PCDH15 is on the minus strand). VCF-style: chr10-53995753-A-T. GRCh37 (hg19) VCF-style: chr10-55755513-A-T.
Other names: c.2779T>A, p.Tyr927Asn (NM_001142763.2, NM_001142771.2); c.2764T>A, p.Tyr922Asn (NM_001142764.2, NM_001142766.2, NM_001142770.3 and 5 more transcripts); c.2551T>A, p.Tyr851Asn (NM_001142765.2); c.2653T>A, p.Tyr885Asn (NM_001142767.2); c.2698T>A, p.Tyr900Asn (NM_001142768.2, NM_001142773.2, NM_001354404.2); c.2800T>A, p.Tyr934Asn (NM_001142769.4); c.2785T>A, p.Tyr929Asn (NM_001354411.2); short protein forms Y851N, Y900N, Y927N, Y934N, Y922N, Y929N, Y885N.
Identifiers: ClinVar variation 1393608 (VCV001393608.8), dbSNP rs2091808213, ClinGen allele CA376515560.

ClinVar aggregate classification (germline): Uncertain significance (1 of 4 stars; one submission).

Submission:

Labcorp Genetics (formerly Invitae), Labcorp
Classification: Uncertain significance. Last evaluated: 2022-03-19. Review status: criteria provided, single submitter. Criteria: Invitae Variant Classification Sherloc (09022015). Collection method: clinical testing. Allele origin: germline.
Comment: In summary, the available evidence is currently insufficient to determine the role of this variant in disease. Therefore, it has been classified as a Variant of Uncertain Significance. Algorithms developed to predict the effect of missense changes on protein structure and function are either unavailable or do not agree on the potential impact of this missense change (SIFT: "Deleterious"; PolyPhen-2: "Benign"; Align-GVGD: "Class C0"). This variant has not been reported in the literature in individuals affected with PCDH15-related conditions. This variant is not present in population databases (gnomAD no frequency). This sequence change replaces tyrosine, which is neutral and polar, with asparagine, which is neutral and polar, at codon 922 of the PCDH15 protein (p.Tyr922Asn).